The following is an entry in ClinVar:

ClinVar aggregate classification (germline): Uncertain significance (1 of 4 stars; one submission).

Submission:

GeneDx
Classification: Uncertain significance. Last evaluated: 2024-06-24. Review status: criteria provided, single submitter. Criteria: GeneDx Variant Classification Process June 2021. Collection method: clinical testing. Allele origin: germline. Affected: yes.
Comment: Not observed at significant frequency in large population cohorts (gnomAD); In silico analysis indicates that this missense variant does not alter protein structure/function; Has not been previously published as pathogenic or benign to our knowledge

NM_001330360.2(POLA1):c.1522A>C (p.Lys508Gln)

Gene: POLA1 (DNA polymerase alpha 1, catalytic subunit; plus strand). Cytogenetic location: Xp22.11.
Variant type: single nucleotide variant.
Coding change: c.1522A>C on transcript NM_001330360.2 (MANE Select); coding-DNA position 1522, A replaced by C.
Protein change: p.Lys508Gln; replaces lysine 508 with glutamine.
Molecular consequence: missense variant. On other transcripts: non-coding transcript variant (2).
Genome position (GRCh38, 1-based): chrX:24,727,062, A>C. VCF-style: chrX-24727062-A-C. GRCh37 (hg19) VCF-style: chrX-24745179-A-C.
Other names: c.1447A>C, p.Lys483Gln (NM_001378303.1); c.1504A>C, p.Lys502Gln (NM_016937.4); short protein forms K483Q, K502Q, K508Q.
Identifiers: ClinVar variation 3392868 (VCV003392868.1).